The following is an entry in ClinVar:

NM_001271.4(CHD2):c.1889A>G (p.Tyr630Cys)

Gene: CHD2 (chromodomain helicase DNA binding protein 2; plus strand). Cytogenetic location: 15q26.1.
Variant type: single nucleotide variant.
Coding change: c.1889A>G on transcript NM_001271.4 (MANE Select); coding-DNA position 1889, A replaced by G.
Protein change: p.Tyr630Cys; replaces tyrosine 630 with cysteine.
Molecular consequence: missense variant.
Genome position (GRCh38, 1-based): chr15:92,956,538, A>G. VCF-style: chr15-92956538-A-G. GRCh37 (hg19) VCF-style: chr15-93499768-A-G.
Other names: short protein forms Y630C.
Identifiers: ClinVar variation 4527171 (VCV004527171.1).
Genomic context (GRCh38, chr15:92,956,538, plus strand): 5'-ACTGGGCCTTTCTGGGAGTGGATGAAGCCCATCGGTTGAAGAATGATGACTCTTTATTGT[A>G]TAAAACTCTGATTGATTTCAAGTCCAACCATAGGCTCCTGATTACGGGGACCCCTCTTCA-3'
Protein context (NP_001262.3, residues 620-640): HRLKNDDSLL[Tyr630Cys]KTLIDFKSNH

ClinVar aggregate classification (germline): Uncertain significance (1 of 4 stars; one submission).

gnomAD v4.1: 2 of 1,613,878 alleles (0.00012%); highest among the groups gnomAD compares: Non-Finnish European, 0.000085%; no homozygotes.

Submission:

GeneDx
Classification: Uncertain significance. Last evaluated: 2025-04-17. Review status: criteria provided, single submitter. Criteria: GeneDx Variant Classification Process June 2021. Collection method: clinical testing. Allele origin: germline. Affected: yes.
Comment: Not observed at significant frequency in large population cohorts (gnomAD); In silico analysis supports that this missense variant has a deleterious effect on protein structure/function; Has not been previously published as pathogenic or benign to our knowledge